The following is an entry in ClinVar:

NM_001278512.2(AP3B2):c.281_282del (p.Tyr94fs)

Genes: AP3B2 (adaptor related protein complex 3 subunit beta 2; minus strand), CPEB1-AS1 (CPEB1 antisense RNA 1; plus strand). Cytogenetic location: 15q25.2.
Variant type: Deletion.
Coding change: c.281_282del on transcript NM_001278512.2 (MANE Select); coding-DNA positions 281 to 282, 2 bases deleted (AT; older notation c.281_282delAT).
Protein change: p.Tyr94fs; shifts the reading frame from tyrosine 94.
Molecular consequence: frameshift variant. On other transcripts: intron variant (1).
Genome position (GRCh38, 1-based): chr15:82,688,814-82,688,815, AT deleted on the plus strand (AT on the coding strand, the reverse complement: AP3B2 is on the minus strand); deleting any 2 consecutive bases within chr15:82,688,814-82,688,816 gives the same sequence; the c. name uses the placement nearest the transcript's 3' end. VCF-style (leftmost placement, unchanged base first): chr15-82688813-CAT-C. GRCh37 (hg19) VCF-style: chr15-83357565-CAT-C.
Other names: c.281_282delAT (NM_004644.4); c.281_282del, p.Tyr94fs (NM_001348440.2, NM_004644.5); c.264+343_264+344del (NM_001278511.2); short protein forms Y94fs.
Identifiers: ClinVar variation 2137737 (VCV002137737.6), dbSNP rs1229674982, ClinGen allele CA716320123.

ClinVar aggregate classification (germline): Pathogenic/Likely pathogenic. Review status: criteria provided, multiple submitters, no conflicts (2 of 4 stars). 3 submissions from 3 submitters: Pathogenic (1); Likely pathogenic (2). Last evaluated 2025-11-13.

Conditions:
AP3B2-related disorder. Also called: AP3B2-related condition.
Developmental and epileptic encephalopathy, 48 (DEE48). Also called: Epileptic encephalopathy, early infantile, 48. Identifiers: MedGen C4310637, MONDO:0015000, OMIM 617276.

Submissions (3):

Variantyx, Inc.
Classification: Likely pathogenic for Developmental and epileptic encephalopathy, 48. Last evaluated: 2025-11-13. Review status: criteria provided, single submitter. Criteria: Variantyx Assertion Criteria 2022. Collection method: clinical testing. Allele origin: germline. Inheritance: Autosomal recessive inheritance. Affected: no.
Comment: This is a frameshift variant in the AP3B2 gene (OMIM: 602166). Pathogenic variants in this gene have been associated with autosomal recessive developmental and epileptic encephalopathy 48. This variant introduces a premature termination codon in exon 4 out of 27 and is expected to result in loss of function, which is a known disease mechanism for AP3B2 in this disorder (PMID: 27889060) (PVS1). This variant has a 0.0001% maximum allele frequency in non-founder control populations (PM2). Based on the current evidence, this variant is classified as likely pathogenic for autosomal recessive developmental and epileptic encephalopathy 48.

PreventionGenetics, part of Exact Sciences
Classification: Likely pathogenic for AP3B2-related condition. Last evaluated: 2025-11-05. Review status: criteria provided, single submitter. Criteria: ACMG Guidelines, 2015. Collection method: clinical testing. Allele origin: germline.
Comment: The AP3B2 c.281_282delAT variant is predicted to result in a frameshift and premature protein termination (p.Tyr94Cysfs*8). This variant was reported in an individual with autism (Table S15, O'Roak et al. 2012. PubMed ID: 23160955). This variant has not been reported in a large population database (gnomAD), indicating this variant is rare. Frameshift variants in AP3B2 are expected to be pathogenic. This variant is interpreted as likely pathogenic.

Labcorp Genetics (formerly Invitae), Labcorp
Classification: Pathogenic. Last evaluated: 2022-08-27. Review status: criteria provided, single submitter. Criteria: Invitae Variant Classification Sherloc (09022015). Collection method: clinical testing. Allele origin: germline.
Comment: This variant is not present in population databases (gnomAD no frequency). This sequence change creates a premature translational stop signal (p.Tyr94Cysfs*8) in the AP3B2 gene. It is expected to result in an absent or disrupted protein product. Loss-of-function variants in AP3B2 are known to be pathogenic (PMID: 27889060). This premature translational stop signal has been observed in individual(s) with AP3B2-related conditions (PMID: 23160955). For these reasons, this variant has been classified as Pathogenic.

Literature cited by the submitters: PubMed 27889060 (cited by Variantyx, Inc. and Labcorp Genetics (formerly Invitae), Labcorp); PubMed 23160955 (cited by Labcorp Genetics (formerly Invitae), Labcorp).